The following is an entry in ClinVar:

ClinVar aggregate classification (germline): Uncertain significance (1 of 4 stars; one submission).

Submission:

Labcorp Genetics (formerly Invitae), Labcorp
Classification: Uncertain significance. Last evaluated: 2024-08-13. Review status: criteria provided, single submitter. Criteria: Invitae Variant Classification Sherloc (09022015). Collection method: clinical testing. Allele origin: germline.
Comment: This sequence change replaces valine, which is neutral and non-polar, with leucine, which is neutral and non-polar, at codon 446 of the TOP2B protein (p.Val446Leu). This variant is not present in population databases (gnomAD no frequency). This variant has not been reported in the literature in individuals affected with TOP2B-related conditions. ClinVar contains an entry for this variant (Variation ID: 1953392). An algorithm developed to predict the effect of missense changes on protein structure and function (PolyPhen-2) suggests that this variant is likely to be tolerated. In summary, the available evidence is currently insufficient to determine the role of this variant in disease. Therefore, it has been classified as a Variant of Uncertain Significance.

NM_001330700.2(TOP2B):c.1351G>T (p.Val451Leu)

Gene: TOP2B (DNA topoisomerase II beta; minus strand). Cytogenetic location: 3p24.2.
Variant type: single nucleotide variant.
Coding change: c.1351G>T on transcript NM_001330700.2 (MANE Select); coding-DNA position 1351, G replaced by T.
Protein change: p.Val451Leu; replaces valine 451 with leucine.
Molecular consequence: missense variant.
Genome position (GRCh38, 1-based): chr3:25,630,855, C>A on the plus strand (G>T on the coding strand, the complement: TOP2B is on the minus strand). VCF-style: chr3-25630855-C-A. GRCh37 (hg19) VCF-style: chr3-25672346-C-A.
Other names: c.1336G>T, p.Val446Leu (NM_001068.3); short protein forms V446L, V451L.
Identifiers: ClinVar variation 1953392 (VCV001953392.5), dbSNP rs2470354942, ClinGen allele CA351909921.